The following is an entry in ClinVar:

ClinVar aggregate classification (germline): Conflicting classifications of pathogenicity. Review status: criteria provided, conflicting classifications (1 of 4 stars). 4 submissions from 4 submitters: Likely pathogenic (1); Uncertain significance (2). 1 of the submissions does not count toward it. Last evaluated 2025-09-23.

Conditions:
Combined malonic and methylmalonic acidemia. Identifiers: Orphanet 289504, MedGen C3280314, MONDO:0013661, OMIM 614265.

Allele frequency attached by ClinVar (database versions not stated): gnomAD exomes 0.00007; ExAC 0.00008; gnomAD 0.00022; TOPMed 0.00026; 1000 Genomes Project 30x 0.00031; ESP Exome Variant Server 0.00031; 1000 Genomes Project 0.00040.
gnomAD v4.1: 77 of 1,613,898 alleles (0.0048%); highest among the groups gnomAD compares: African/African-American, 0.076%; no homozygotes.

Submissions (4):

Labcorp Genetics (formerly Invitae), Labcorp
Classification: Uncertain significance for Combined malonic and methylmalonic acidemia. Last evaluated: 2025-09-23. Review status: criteria provided, single submitter. Criteria: Invitae Variant Classification Sherloc (09022015). Collection method: clinical testing. Allele origin: germline.
Comment: This sequence change replaces proline, which is neutral and non-polar, with leucine, which is neutral and non-polar, at codon 243 of the ACSF3 protein (p.Pro243Leu). This variant is present in population databases (rs140986055, gnomAD 0.09%). This missense change has been observed in individual(s) with combined malonic and methylmalonic aciduria (PMID: 21841779). ClinVar contains an entry for this variant (Variation ID: 31140). Invitae Evidence Modeling of protein sequence and biophysical properties (such as structural, functional, and spatial information, amino acid conservation, physicochemical variation, residue mobility, and thermodynamic stability) indicates that this missense variant is expected to disrupt ACSF3 protein function with a positive predictive value of 95%. In summary, the available evidence is currently insufficient to determine the role of this variant in disease. Therefore, it has been classified as a Variant of Uncertain Significance.

Greenwood Genetic Center Diagnostic Laboratories, Greenwood Genetic Center
Classification: Likely pathogenic for Combined malonic and methylmalonic acidemia. Last evaluated: 2024-03-20. Review status: criteria provided, single submitter. Criteria: ACMG Guidelines, 2015. Collection method: clinical testing. Allele origin: germline. Affected: yes.
Comment: PS3_Moderate, PM1, PM3_supporting, PP3

Women's Health and Genetics/Laboratory Corporation of America, LabCorp
Classification: Uncertain significance. Last evaluated: 2023-01-25. Review status: criteria provided, single submitter. Criteria: LabCorp Variant Classification Summary - May 2015. Collection method: clinical testing. Allele origin: germline.
Comment: Variant summary: ACSF3 c.728C>T (p.Pro243Leu) results in a non-conservative amino acid change located in the AMP-dependent synthetase/ligase domain (IPR000873) of the encoded protein sequence. Five of five in-silico tools predict a damaging effect of the variant on protein function. The variant allele was found at a frequency of 6.8e-05 in 251160 control chromosomes. This frequency is not significantly higher than estimated for a pathogenic variant in ACSF3 causing Combined Malonic And Methylmalonic Aciduria (6.8e-05 vs 0.0058), allowing no conclusion about variant significance. c.728C>T has been reported in the literature as a homozygous genotype in at-least one individual affected with biochemical features Combined Malonic And Methylmalonic Aciduria (example, PMID: 30740739, 21841779). These data indicate that the variant may be associated with disease. To our knowledge, no experimental evidence demonstrating an impact on protein function has been reported. No clinical diagnostic laboratories have submitted clinical-significance assessments for this variant to ClinVar after 2014. Based on the evidence outlined above, the variant was classified as VUS-possibly pathogenic.

OMIM
Classification: Pathogenic for COMBINED MALONIC AND METHYLMALONIC ACIDURIA. Last evaluated: 2011-08-14. Review status: no assertion criteria provided. Collection method: literature only. Allele origin: germline. Not counted in ClinVar's aggregate classification.

Literature cited by the submitters: PubMed 21841779 (cited by 3 submitters); PubMed 30740739 (cited by Women's Health and Genetics/Laboratory Corporation of America, LabCorp).

NM_001243279.3(ACSF3):c.728C>T (p.Pro243Leu)

Gene: ACSF3 (acyl-CoA synthetase family member 3; plus strand). Cytogenetic location: 16q24.3.
Variant type: single nucleotide variant.
Coding change: c.728C>T on transcript NM_001243279.3 (MANE Select); coding-DNA position 728, C replaced by T.
Protein change: p.Pro243Leu; replaces proline 243 with leucine.
Molecular consequence: missense variant. On other transcripts: 5 prime UTR variant (1), non-coding transcript variant (3).
Genome position (GRCh38, 1-based): chr16:89,102,665, C>T. VCF-style: chr16-89102665-C-T. GRCh37 (hg19) VCF-style: chr16-89169073-C-T.
Other names: c.728C>T, p.Pro243Leu (NM_001127214.4, NM_174917.5); c.-68C>T (NM_001284316.2); c.728C>T (NM_174917.4); short protein forms P243L.
Identifiers: ClinVar variation 31140 (VCV000031140.8), dbSNP rs140986055, ClinGen allele CA129715.